The following is an entry in ClinVar:

ClinVar aggregate classification (germline): Conflicting classifications of pathogenicity. Review status: criteria provided, conflicting classifications (1 of 4 stars). 2 submissions from 2 submitters: Uncertain significance (1); Likely benign (1). Last evaluated 2024-12-26.

Allele frequency attached by ClinVar (database versions not stated): gnomAD 0.00015; ExAC 0.00020; gnomAD exomes 0.00021; TOPMed 0.00024.
gnomAD v4.1: 320 of 1,600,426 alleles (0.02%); highest among the groups gnomAD compares: Admixed American, 0.031%; no homozygotes.

Submissions (2):

Labcorp Genetics (formerly Invitae), Labcorp
Classification: Uncertain significance. Last evaluated: 2024-12-26. Review status: criteria provided, single submitter. Criteria: Invitae Variant Classification Sherloc (09022015). Collection method: clinical testing. Allele origin: germline.
Comment: This sequence change replaces serine, which is neutral and polar, with glycine, which is neutral and non-polar, at codon 76 of the ZFHX3 protein (p.Ser76Gly). This variant is present in population databases (rs543893560, gnomAD 0.03%). This variant has not been reported in the literature in individuals affected with ZFHX3-related conditions. ClinVar contains an entry for this variant (Variation ID: 2646851). An algorithm developed to predict the effect of missense changes on protein structure and function outputs the following: PolyPhen-2: "Benign". The glycine amino acid residue is found in multiple mammalian species, which suggests that this missense change does not adversely affect protein function. In summary, the available evidence is currently insufficient to determine the role of this variant in disease. Therefore, it has been classified as a Variant of Uncertain Significance.

CeGaT Center for Human Genetics Tuebingen
Classification: Likely benign. Last evaluated: 2023-02-01. Review status: criteria provided, single submitter. Criteria: CeGaT Center For Human Genetics Tuebingen Variant Classification Criteria Version 2. Collection method: clinical testing. Allele origin: germline. Affected: yes. Observed: 1 variant allele.
Comment: ZFHX3: BP4

NM_006885.4(ZFHX3):c.226A>G (p.Ser76Gly)

Gene: ZFHX3 (zinc finger homeobox 3; minus strand). Cytogenetic location: 16q22.3.
Variant type: single nucleotide variant.
Coding change: c.226A>G on transcript NM_006885.4 (MANE Select); coding-DNA position 226, A replaced by G.
Protein change: p.Ser76Gly; replaces serine 76 with glycine.
Molecular consequence: missense variant. On other transcripts: intron variant (1).
Genome position (GRCh38, 1-based): chr16:72,959,920, T>C on the plus strand (A>G on the coding strand, the complement: ZFHX3 is on the minus strand). VCF-style: chr16-72959920-T-C. GRCh37 (hg19) VCF-style: chr16-72993819-T-C.
Other names: c.226A>G, p.Ser76Gly (NM_001386735.1); c.-23-8955A>G (NM_001164766.2); short protein forms S76G.
Identifiers: ClinVar variation 2646851 (VCV002646851.26), dbSNP rs543893560, ClinGen allele CA8165051.